The following is an entry in ClinVar:

ClinVar aggregate classification (germline): Pathogenic (1 of 4 stars; one submission).

Conditions:
Deficiency of ferroxidase (ACEP). Also called: NEURODEGENERATION WITH BRAIN IRON ACCUMULATION 10; Deficiency of ceruloplasmin; Aceruloplasminemia; Ceruloplasmin deficiency; Familial apoceruloplasmin deficiency; Hereditary ceruloplasmin deficiency. Identifiers: Orphanet 48818, MedGen C0878682, MONDO:0011426, OMIM 604290, HP:0025498.

Submission:

Labcorp Genetics (formerly Invitae), Labcorp
Classification: Pathogenic for Deficiency of ferroxidase. Last evaluated: 2025-11-25. Review status: criteria provided, single submitter. Criteria: Invitae Variant Classification Sherloc (09022015). Collection method: clinical testing. Allele origin: germline.
Comment: This sequence change creates a premature translational stop signal (p.Leu348Cysfs*43) in the CP gene. It is expected to result in an absent or disrupted protein product. Loss-of-function variants in CP are known to be pathogenic (PMID: 16629161). This variant is not present in population databases (gnomAD no frequency). This variant has not been reported in the literature in individuals affected with CP-related conditions. For these reasons, this variant has been classified as Pathogenic.

Literature cited by the submitters: PubMed 16629161.

NM_000096.4(CP):c.1043del (p.Leu348fs)

Gene: CP (ceruloplasmin; minus strand). Cytogenetic location: 3q25.1.
Variant type: Deletion.
Coding change: c.1043del on transcript NM_000096.4 (MANE Select); coding-DNA position 1043, one base deleted (T; older notation c.1043delT).
Protein change: p.Leu348fs; shifts the reading frame from leucine 348.
Molecular consequence: frameshift variant. On other transcripts: non-coding transcript variant (1).
Genome position (GRCh38, 1-based): chr3:149,206,333, A deleted on the plus strand (T on the coding strand, the reverse complement: CP is on the minus strand); the first of 3 consecutive A bases (chr3:149,206,333-149,206,335); deleting any one gives the same sequence. VCF-style (leftmost placement, unchanged base first): chr3-149206332-CA-C. GRCh37 (hg19) VCF-style: chr3-148924119-CA-C.
Other names: short protein forms L348fs.
Identifiers: ClinVar variation 4731072 (VCV004731072.1).